The following is an entry in ClinVar:

NM_139076.3(ABRAXAS1):c.597C>T (p.Ser199=)

Gene: ABRAXAS1 (abraxas 1, BRCA1 A complex subunit; minus strand). Cytogenetic location: 4q21.23.
Variant type: single nucleotide variant.
Coding change: c.597C>T on transcript NM_139076.3 (MANE Select); coding-DNA position 597, C replaced by T.
Protein change: p.Ser199=; no amino-acid change (serine 199 retained).
Molecular consequence: synonymous variant.
Genome position (GRCh38, 1-based): chr4:83,467,538, G>A on the plus strand (C>T on the coding strand, the complement: ABRAXAS1 is on the minus strand). VCF-style: chr4-83467538-G-A. GRCh37 (hg19) VCF-style: chr4-84388691-G-A.
Other names: c.270C>T, p.Ser90= (NM_001345962.2).
Identifiers: ClinVar variation 2497230 (VCV002497230.27), dbSNP rs760067070, ClinGen allele CA2990498.
Genomic context (GRCh38, chr4:83,467,538, plus strand): 5'-ATACATTTCATTTATCTTATGTACCTCCTTTAAGGATCCATCTTCTTCAAAAAATTTAGA[G>A]CTGTAAAAAATTACCATTTCCTCAGGCAAATACACAAAACCATTTTAATGATAAGGTGAA-3'
Protein context (NP_620775.2, residues 189-209): TGFSRAVQTH[Ser199=]SKFFEEDGSL

ClinVar aggregate classification (germline): Conflicting classifications of pathogenicity. Review status: criteria provided, conflicting classifications (1 of 4 stars). 3 submissions from 3 submitters: Uncertain significance (1); Likely benign (2). Last evaluated 2025-08-01.

Allele frequency attached by ClinVar (database versions not stated): ExAC 0.00001; gnomAD 0.00001; TOPMed 0.00001.

Submissions (3):

CeGaT Center for Human Genetics Tuebingen
Classification: Likely benign. Last evaluated: 2025-08-01. Review status: criteria provided, single submitter. Criteria: CeGaT Center For Human Genetics Tuebingen Variant Classification Criteria Version 2. Collection method: clinical testing. Allele origin: germline. Affected: yes. Observed: 2 variant alleles.
Comment: ABRAXAS1: BP4, BP7

Labcorp Genetics (formerly Invitae), Labcorp
Classification: Uncertain significance. Last evaluated: 2024-09-17. Review status: criteria provided, single submitter. Criteria: Invitae Variant Classification Sherloc (09022015). Collection method: clinical testing. Allele origin: germline.
Comment: This sequence change affects codon 199 of the ABRAXAS1 mRNA. It is a 'silent' change, meaning that it does not change the encoded amino acid sequence of the ABRAXAS1 protein. It affects a nucleotide within the consensus splice site. This variant is present in population databases (rs760067070, gnomAD 0.01%). This variant has not been reported in the literature in individuals affected with ABRAXAS1-related conditions. ClinVar contains an entry for this variant (Variation ID: 2497230). Algorithms developed to predict the effect of sequence changes on RNA splicing suggest that this variant is not likely to affect RNA splicing. In summary, the available evidence is currently insufficient to determine the role of this variant in disease. Therefore, it has been classified as a Variant of Uncertain Significance.

Ambry Genetics
Classification: Likely benign. Last evaluated: 2023-03-05. Review status: criteria provided, single submitter. Criteria: Ambry Variant Classification Scheme 2023. Collection method: clinical testing. Allele origin: germline.